The following is an entry in ClinVar:

ClinVar aggregate classification (germline): Conflicting classifications of pathogenicity. Review status: criteria provided, conflicting classifications (1 of 4 stars). 5 submissions from 5 submitters: Uncertain significance (2); Benign (2); Likely benign (1). Last evaluated 2026-04-21.

Conditions:
CDH23-related disorder. Also called: CDH23-related condition; CDH23-related disorders.

Allele frequency attached by ClinVar (database versions not stated): ExAC 0.00031; gnomAD 0.00035; TOPMed 0.00040; ESP Exome Variant Server 0.00016; 1000 Genomes Project 0.00020; 1000 Genomes Project 30x 0.00031.
gnomAD v4.1: 964 of 1,612,490 alleles (0.06%); highest among the groups gnomAD compares: Admixed American, 0.083%; no homozygotes.

Submissions (5):

PreventionGenetics, part of Exact Sciences
Classification: Uncertain significance for CDH23-related condition. Last evaluated: 2026-04-21. Review status: criteria provided, single submitter. Criteria: ACMG Guidelines, 2015. Collection method: clinical testing. Allele origin: germline.
Comment: The CDH23 c.6809G>A variant is predicted to result in the amino acid substitution p.Arg2270His. This variant was previously reported in a large cohort of individuals with Usher syndrome (Bonnet et al. 2011. PubMed ID: 21569298). However, this variant is reported in 0.085% of alleles in individuals of Latino descent in gnomAD, which may be too frequent to be a primary cause of disease. Although we suspect that this variant may be benign, at this time, the clinical significance of this variant is uncertain due to the absence of conclusive functional and genetic evidence.

Labcorp Genetics (formerly Invitae), Labcorp
Classification: Benign. Last evaluated: 2026-01-28. Review status: criteria provided, single submitter. Criteria: Invitae Variant Classification Sherloc (09022015). Collection method: clinical testing. Allele origin: germline.

GeneDx
Classification: Uncertain significance. Last evaluated: 2025-10-10. Review status: criteria provided, single submitter. Criteria: GeneDx Variant Classification Process June 2021. Collection method: clinical testing. Allele origin: germline. Affected: yes.
Comment: Reported in an individual with Usher syndrome in published literature; however no additional information was available (PMID: 21569298); Identified in a patient with hearing loss and classified as a variant of uncertain significance in published literature (PMID: 36597107); In silico analysis suggests that this missense variant does not alter protein structure/function; This variant is associated with the following publications: (PMID: 21569298, 15537665, 36597107)

Blueprint Genetics
Classification: Likely benign. Last evaluated: 2024-11-13. Review status: criteria provided, single submitter. Criteria: ACMG Guidelines, 2015. Collection method: clinical testing. Allele origin: germline.

Laboratory for Molecular Medicine, Mass General Brigham Personalized Medicine
Classification: Benign. Last evaluated: 2014-03-04. Review status: criteria provided, single submitter. Criteria: LMM Criteria. Collection method: clinical testing. Allele origin: germline. Observed: 3 variant alleles.
Comment: Arg2270His in Exon 49 of CDH23: This variant has been identified in one individu al with Usher syndrome (Bonnet 2011) but has also been detected in 9.4% (205/217 8) chromosomes from a broad population by the 1000 Genomes Project (dbSNP rs139409005). The arginine (Arg) residue at position 2270 is not conserved through mammals with chimp, tree shrew, mouse, sheep and white rhinoceros having a threonine (Thr). In summary, based on its high frequency in the general population and the presence of the variant amino acid in multiple m ammals, we expect this variant to have no clinical significance.

Literature cited by the submitters: PubMed 21569298 (cited by Laboratory for Molecular Medicine, Mass General Brigham Personalized Medicine).

NM_022124.6(CDH23):c.6809G>A (p.Arg2270His)

Gene: CDH23 (cadherin related 23; plus strand). Cytogenetic location: 10q22.1.
Variant type: single nucleotide variant.
Coding change: c.6809G>A on transcript NM_022124.6 (MANE Select); coding-DNA position 6809, G replaced by A.
Protein change: p.Arg2270His; replaces arginine 2270 with histidine.
Molecular consequence: missense variant.
Genome position (GRCh38, 1-based): chr10:71,797,200, G>A. VCF-style: chr10-71797200-G-A. GRCh37 (hg19) VCF-style: chr10-73556957-G-A.
Other names: c.89G>A, p.Arg30His (NM_001171933.1, NM_001171934.1); short protein forms R2270H, R30H.
Identifiers: ClinVar variation 178310 (VCV000178310.21), dbSNP rs139409005, ClinGen allele CA182082.